The following is an entry in ClinVar:

ClinVar aggregate classification (germline): Likely pathogenic (1 of 4 stars; one submission).

Submission:

Genetic Services Laboratory, University of Chicago
Classification: Likely pathogenic. Last evaluated: 2018-11-08. Review status: criteria provided, single submitter. Criteria: ACMG Guidelines, 2015. Collection method: clinical testing. Allele origin: germline. Affected: yes.
Comment: DNA sequence analysis of the TUBA1A gene demonstrated a sequence change, c.956A>G, in exon 4 that results in an amino acid change, p.Tyr319Cys. This is a novel sequence change that has not previously been seen in large population databases (ExAC, gnomAD). The p.Tyr319Cys change affects a highly conserved amino acid residue located in a domain of the TUBA1A protein that is known to be functional. The p.Tyr319Cys substitution appears to be deleterious (SIFT, PolyPhen2, Align GVGD, REVEL). This particular amino acid change does not appear to have been described in the literature in other patients with TUBA1A-related lissencephaly but occurs in a region of the TUBA1A gene where other pathogenic missense sequence changes have been reported. The TUBA1A gene is also highly intolerant to missense changes. This sequence change is the likely cause of this phenotype, however functional studies have not been performed to prove this conclusively.

NM_006009.4(TUBA1A):c.956A>G (p.Tyr319Cys)

Gene: TUBA1A (tubulin alpha 1a; minus strand). Cytogenetic location: 12q13.12.
Variant type: single nucleotide variant.
Coding change: c.956A>G on transcript NM_006009.4 (MANE Select); coding-DNA position 956, A replaced by G.
Protein change: p.Tyr319Cys; replaces tyrosine 319 with cysteine.
Molecular consequence: missense variant.
Genome position (GRCh38, 1-based): chr12:49,185,410, T>C on the plus strand (A>G on the coding strand, the complement: TUBA1A is on the minus strand). VCF-style: chr12-49185410-T-C. GRCh37 (hg19) VCF-style: chr12-49579193-T-C.
Other names: c.956A>G, p.Tyr319Cys (NM_001270399.2); c.851A>G, p.Tyr284Cys (NM_001270400.2); short protein forms Y284C, Y319C.
Identifiers: ClinVar variation 1338457 (VCV001338457.4), dbSNP rs2121242769, ClinGen allele CA384637880.
Genomic context (GRCh38, chr12:49,185,410, plus strand): 5'-CGCTTGGTCTTGATGGTGGCAATGGCAGCATTGACATCTTTGGGAACCACGTCACCACGG[T>C]ACAACAGGCAGCAAGCCATGTATTTACCATGGCGAGGGTCACATTTCACCATCTGGTTGG-3'
Protein context (NP_006000.2, residues 309-329): HGKYMACCLL[Tyr319Cys]RGDVVPKDVN